The following is an entry in ClinVar:

ClinVar aggregate classification (germline): Pathogenic (1 of 4 stars; one submission).

Conditions:
Nemaline myopathy 2 (NEM2). Also called: Nemaline myopathy 2, autosomal recessive. Identifiers: MedGen C1850569, MONDO:0009725, OMIM 256030.

Submission:

Myriad Genetics, Inc.
Classification: Pathogenic for Nemaline myopathy 2. Last evaluated: 2026-07-09. Review status: criteria provided, single submitter. Criteria: Myriad Autosomal Dominant, Autosomal Recessive and X-Linked Classification Criteria (2023). Collection method: clinical testing. Allele origin: unknown.
Comment: NM_001271208.1(NEB):c.8704_8714del11(L2902Efs*21) is expected to be pathogenic in the context of NEB-related nemaline myopathy. This variant is predicted to lead to an abnormal or absent protein product due to the creation of a premature termination codon in NEB, a gene where loss-of-function variants are known to be pathogenic. Please note: this variant was assessed in the context of healthy population screening.

NM_001164508.2(NEB):c.8704_8714del (p.Leu2902fs)

Gene: NEB (nebulin; minus strand). Cytogenetic location: 2q23.3.
Variant type: Deletion.
Coding change: c.8704_8714del on transcript NM_001164508.2 (MANE Select); coding-DNA positions 8704 to 8714, 11 bases deleted (CTCCAGTGGAT).
Protein change: p.Leu2902fs; shifts the reading frame from leucine 2902.
Molecular consequence: frameshift variant.
Genome position (GRCh38, 1-based): chr2:151,640,032-151,640,042, ATCCACTGGAG deleted on the plus strand (CTCCAGTGGAT on the coding strand, the reverse complement: NEB is on the minus strand); deleting any 11 consecutive bases within chr2:151,640,032-151,640,045 gives the same sequence; the c. name uses the placement nearest the transcript's 3' end. VCF-style (leftmost placement, unchanged base first): chr2-151640031-CATCCACTGGAG-C. GRCh37 (hg19) VCF-style: chr2-152496545-CATCCACTGGAG-C.
Other names: c.8704_8714del, p.Leu2902fs (NM_001164507.2, NM_001271208.2, NM_004543.5); short protein forms L2902fs.
Identifiers: ClinVar variation 5016114 (VCV005016114.1).